The following is an entry in ClinVar:

NM_021224.6(ZNF462):c.7180G>A (p.Glu2394Lys)

Genes: ZNF462 (zinc finger protein 462; plus strand), LOC340512 (uncharacterized LOC340512; minus strand). Cytogenetic location: 9q31.2.
Variant type: single nucleotide variant.
Coding change: c.7180G>A on transcript NM_021224.6 (MANE Select); coding-DNA position 7180, G replaced by A.
Protein change: p.Glu2394Lys; replaces glutamic acid 2394 with lysine.
Molecular consequence: missense variant.
Genome position (GRCh38, 1-based): chr9:107,003,417, G>A. VCF-style: chr9-107003417-G-A. GRCh37 (hg19) VCF-style: chr9-109765698-G-A.
Other names: c.4585G>A, p.Glu1529Lys (NM_001347997.2); short protein forms E1529K, E2394K.
Identifiers: ClinVar variation 1328825 (VCV001328825.2), dbSNP rs2132651482, ClinGen allele CA374661127.

ClinVar aggregate classification (germline): Uncertain significance (1 of 4 stars; one submission).

Allele frequency attached by ClinVar (database versions not stated): gnomAD exomes below 0.00001.
gnomAD v4.1: 1 of 1,613,538 alleles (0.000062%); highest among the groups gnomAD compares: Admixed American, 0.0017%; no homozygotes.

Submission:

GeneDx
Classification: Uncertain significance. Last evaluated: 2021-06-15. Review status: criteria provided, single submitter. Criteria: GeneDx Variant Classification Process June 2021. Collection method: clinical testing. Allele origin: germline. Affected: yes.
Comment: Not observed at significant frequency in large population cohorts (Lek et al., 2016); In silico analysis supports that this missense variant does not alter protein structure/function; Has not been previously published as pathogenic or benign to our knowledge; This variant is associated with the following publications: (PMID: 27535533)